The following is an entry in ClinVar:

ClinVar aggregate classification (germline): Likely benign (1 of 4 stars; one submission).

Allele frequency attached by ClinVar (database versions not stated): TOPMed below 0.00001; gnomAD exomes 0.00001.
gnomAD v4.1: 8 of 1,612,326 alleles (0.0005%); highest among the groups gnomAD compares: South Asian, 0.0022%; no homozygotes.

Submission:

CeGaT Center for Human Genetics Tuebingen
Classification: Likely benign. Last evaluated: 2023-08-01. Review status: criteria provided, single submitter. Criteria: CeGaT Center For Human Genetics Tuebingen Variant Classification Criteria Version 2. Collection method: clinical testing. Allele origin: germline. Affected: yes. Observed: 1 variant allele.
Comment: PKD1: BP4, BP7

NM_001009944.3(PKD1):c.12699A>G (p.Thr4233=)

Gene: PKD1 (polycystin 1, transient receptor potential channel interacting; minus strand). Cytogenetic location: 16p13.3.
Variant type: single nucleotide variant.
Coding change: c.12699A>G on transcript NM_001009944.3 (MANE Select); coding-DNA position 12699, A replaced by G.
Protein change: p.Thr4233=; no amino-acid change (threonine 4233 retained).
Molecular consequence: synonymous variant.
Genome position (GRCh38, 1-based): chr16:2,089,940, T>C on the plus strand (A>G on the coding strand, the complement: PKD1 is on the minus strand). VCF-style: chr16-2089940-T-C. GRCh37 (hg19) VCF-style: chr16-2139941-T-C.
Other names: c.12696A>G, p.Thr4232= (NM_000296.4).
Identifiers: ClinVar variation 2645975 (VCV002645975.24), dbSNP rs753414148, ClinGen allele CA276763101.
Genomic context (GRCh38, chr16:2,089,940, plus strand): 5'-CCGGCTGCTCCTGCGGCCTTGCAGGCTGTGCAGCTGCTGCTCCAGCTGGTAGACGTCCTC[T>C]GTGGCCTGGTTGAGTCGGTCAAACTGGGTGAGCAGGGCCTCGAACACGGCTTGGAGGCGG-3'
Protein context (NP_001009944.3, residues 4223-4243): LTQFDRLNQA[Thr4233=]EDVYQLEQQL